The following is an entry in ClinVar:

NM_002662.5(PLD1):c.141C>T (p.Ser47=)

Gene: PLD1 (phospholipase D1; minus strand). Cytogenetic location: 3q26.31.
Variant type: single nucleotide variant.
Coding change: c.141C>T on transcript NM_002662.5 (MANE Select); coding-DNA position 141, C replaced by T.
Protein change: p.Ser47=; no amino-acid change (serine 47 retained).
Molecular consequence: synonymous variant.
Genome position (GRCh38, 1-based): chr3:171,737,911, G>A on the plus strand (C>T on the coding strand, the complement: PLD1 is on the minus strand). VCF-style: chr3-171737911-G-A. GRCh37 (hg19) VCF-style: chr3-171455701-G-A.
Other names: c.141C>T, p.Ser47= (NM_001130081.3).
Identifiers: ClinVar variation 788852 (VCV000788852.34), dbSNP rs146060699, ClinGen allele CA2705067.

ClinVar aggregate classification (germline): Benign. Review status: criteria provided, multiple submitters, no conflicts (2 of 4 stars). 3 submissions from 3 submitters: Benign (3). Last evaluated 2026-01-21.

Allele frequency attached by ClinVar (database versions not stated): 1000 Genomes Project 0.00459; 1000 Genomes Project 30x 0.00484; gnomAD 0.01034 and 0.01077; TOPMed 0.01063; ESP Exome Variant Server 0.01076; gnomAD exomes 0.01327.
gnomAD v4.1: 20,864 of 1,613,394 alleles (1.3%); highest among the groups gnomAD compares: Non-Finnish European, 1.6%; 158 homozygotes.

Submissions (3):

Labcorp Genetics (formerly Invitae), Labcorp
Classification: Benign. Last evaluated: 2026-01-21. Review status: criteria provided, single submitter. Criteria: Invitae Variant Classification Sherloc (09022015). Collection method: clinical testing. Allele origin: germline.

CeGaT Center for Human Genetics Tuebingen
Classification: Benign. Last evaluated: 2024-05-01. Review status: criteria provided, single submitter. Criteria: CeGaT Center For Human Genetics Tuebingen Variant Classification Criteria Version 2. Collection method: clinical testing. Allele origin: germline. Affected: yes. Observed: 5 variant alleles.
Comment: PLD1: BP4, BP7, BS1, BS2

Breakthrough Genomics
Classification: Benign. Review status: criteria provided, single submitter. Criteria: ACMG Guidelines, 2015. Collection method: not provided. Allele origin: germline. Inheritance: Autosomal recessive inheritance. Affected: yes.